The following is an entry in ClinVar:

ClinVar aggregate classification (germline): Uncertain significance (1 of 4 stars; one submission).

Submission:

GeneDx
Classification: Uncertain significance. Last evaluated: 2019-07-24. Review status: criteria provided, single submitter. Criteria: GeneDx Variant Classification Process June 2021. Collection method: clinical testing. Allele origin: germline. Affected: yes.
Comment: Not observed in large population cohorts (Lek et al., 2016); In silico analysis, which includes splice predictors and evolutionary conservation, supports a deleterious effect; Has not been previously published as pathogenic or benign to our knowledge

NM_000537.4(REN):c.249+5G>A

Gene: REN (renin; minus strand). Cytogenetic location: 1q32.1.
Variant type: single nucleotide variant.
Coding change: c.249+5G>A on transcript NM_000537.4 (MANE Select); 5 bases into the intron after coding-DNA position 249, G replaced by A.
Molecular consequence: intron variant.
Genome position (GRCh38, 1-based): chr1:204,162,008, C>T on the plus strand (G>A on the coding strand, the complement: REN is on the minus strand). VCF-style: chr1-204162008-C-T. GRCh37 (hg19) VCF-style: chr1-204131136-C-T.
Identifiers: ClinVar variation 1307019 (VCV001307019.2), dbSNP rs2102314453, ClinGen allele CA422839229.
Genomic context (GRCh38, chr1:204,162,008, plus strand): 5'-GAAAGCCCTAGGTCCATGAGGGAAAGGAGACAGGGAGGGAGCGAGGGGCTGAGCCAAGCA[C>T]TCACGTCCATGTAGTTGGTGAGGATCACGGAGGAGGTGGTGTTGCCAAGTGTCAGCCTCT-3'